The following is an entry in ClinVar:

NM_005475.3(SH2B3):c.703C>A (p.Arg235Ser)

Gene: SH2B3 (SH2B adaptor protein 3; plus strand). Cytogenetic location: 12q24.12.
Variant type: single nucleotide variant.
Coding change: c.703C>A on transcript NM_005475.3 (MANE Select); coding-DNA position 703, C replaced by A.
Protein change: p.Arg235Ser; replaces arginine 235 with serine.
Molecular consequence: missense variant.
Genome position (GRCh38, 1-based): chr12:111,418,848, C>A. VCF-style: chr12-111418848-C-A. GRCh37 (hg19) VCF-style: chr12-111856652-C-A.
Other names: short protein forms R235S.
Identifiers: ClinVar variation 4824345 (VCV004824345.1).

ClinVar aggregate classification (germline): Uncertain significance (1 of 4 stars; one submission).

Conditions:
Inborn genetic diseases. Identifiers: MedGen C0950123, MeSH D030342.

Submission:

Ambry Genetics
Classification: Uncertain significance for Inborn genetic diseases. Last evaluated: 2026-01-15. Review status: criteria provided, single submitter. Criteria: Ambry Variant Classification Scheme 2023. Collection method: clinical testing. Allele origin: germline.
Comment: The p.R235S variant (also known as c.703C>A), located in coding exon 1 of the SH2B3 gene, results from a C to A substitution at nucleotide position 703. The arginine at codon 235 is replaced by serine, an amino acid with dissimilar properties. This amino acid position is conserved. In addition, this alteration is predicted to be tolerated by in silico analysis. Based on the available evidence, the clinical significance of this variant remains unclear.